The following is an entry in ClinVar:

NM_177438.3(DICER1):c.664A>C (p.Lys222Gln)

Gene: DICER1 (dicer 1, ribonuclease III; minus strand). Cytogenetic location: 14q32.13.
Variant type: single nucleotide variant.
Coding change: c.664A>C on transcript NM_177438.3 (MANE Select); coding-DNA position 664, A replaced by C.
Protein change: p.Lys222Gln; replaces lysine 222 with glutamine.
Molecular consequence: missense variant. On other transcripts: non-coding transcript variant (6), 5 prime UTR variant (1).
Genome position (GRCh38, 1-based): chr14:95,129,542, T>G on the plus strand (A>C on the coding strand, the complement: DICER1 is on the minus strand). VCF-style: chr14-95129542-T-G. GRCh37 (hg19) VCF-style: chr14-95595879-T-G.
Other names: c.664A>C, p.Lys222Gln (NM_001395684.1, NM_001395692.1, NM_001395693.1 and 15 more transcripts); c.382A>C, p.Lys128Gln (NM_001395686.1); c.259A>C, p.Lys87Gln (NM_001395687.1, NM_001395688.1, NM_001395689.1 and 3 more transcripts); c.97A>C, p.Lys33Gln (NM_001395691.1); c.-905A>C (NM_001395697.1); short protein forms K128Q, K33Q, K87Q, K222Q.
Identifiers: ClinVar variation 2855451 (VCV002855451.3), dbSNP rs752322804, ClinGen allele CA390888112.

ClinVar aggregate classification (germline): Uncertain significance (1 of 4 stars; one submission).

Conditions:
DICER1-related tumor predisposition. Also called: DICER1-related pleuropulmonary blastoma cancer predisposition syndrome; DICER1 syndrome. Identifiers: Orphanet 284343, MedGen C3839822, MONDO:0100216.

Submission:

Labcorp Genetics (formerly Invitae), Labcorp
Classification: Uncertain significance for DICER1-related tumor predisposition. Last evaluated: 2023-04-12. Review status: criteria provided, single submitter. Criteria: Invitae Variant Classification Sherloc (09022015). Collection method: clinical testing. Allele origin: germline.
Comment: In summary, the available evidence is currently insufficient to determine the role of this variant in disease. Therefore, it has been classified as a Variant of Uncertain Significance. Advanced modeling of protein sequence and biophysical properties (such as structural, functional, and spatial information, amino acid conservation, physicochemical variation, residue mobility, and thermodynamic stability) performed at Invitae indicates that this missense variant is not expected to disrupt DICER1 protein function. This variant has not been reported in the literature in individuals affected with DICER1-related conditions. This variant is not present in population databases (gnomAD no frequency). This sequence change replaces lysine, which is basic and polar, with glutamine, which is neutral and polar, at codon 222 of the DICER1 protein (p.Lys222Gln).